The following is an entry in ClinVar:

NM_000404.4(GLB1):c.385G>C (p.Glu129Gln)

Gene: GLB1 (galactosidase beta 1; minus strand). Cytogenetic location: 3p22.3.
Variant type: single nucleotide variant.
Coding change: c.385G>C on transcript NM_000404.4 (MANE Select); coding-DNA position 385, G replaced by C.
Protein change: p.Glu129Gln; replaces glutamic acid 129 with glutamine.
Molecular consequence: missense variant. On other transcripts: intron variant (1).
Genome position (GRCh38, 1-based): chr3:33,068,831, C>G on the plus strand (G>C on the coding strand, the complement: GLB1 is on the minus strand). VCF-style: chr3-33068831-C-G. GRCh37 (hg19) VCF-style: chr3-33110323-C-G.
Other names: c.295G>C, p.Glu99Gln (NM_001079811.3); c.529G>C, p.Glu177Gln (NM_001317040.2); c.385G>C, p.Glu129Gln (NM_001393580.1); c.246-3274G>C (NM_001135602.3); short protein forms E129Q, E177Q, E99Q.
Identifiers: ClinVar variation 800730 (VCV000800730.3), dbSNP rs886042079, ClinGen allele CA72670809.
Genomic context (GRCh38, chr3:33,068,831, plus strand): 5'-GCCTGCCAGCTCACACACACCAGGTAGAGCCCAGTCTAGCCACACTCACCATTTCCCACT[C>G]TGCACAGATGTAGGGCCCGGGCCTCAGGATAACCAGCAGTCCCAGCTCATGAGCCAGCCG-3'
Protein context (NP_000395.3, residues 119-139): ILRPGPYICA[Glu129Gln]WEMGGLPAWL

ClinVar aggregate classification (germline): Likely pathogenic (1 of 4 stars; one submission).

Conditions:
Infantile GM1 gangliosidosis. Also called: Gangliosidosis, Generalized GM1, Type 1; GM1-gangliosidosis, type I; Gangliosidosis, generalized GM1, infantile form; GLB1 deficiency; GM1 gangliosidosis type 1. Identifiers: Orphanet 354, Orphanet 79255, MedGen C0268271, MONDO:0009260, OMIM 230500.

gnomAD v4.1: 2 of 1,614,096 alleles (0.00012%); highest among the groups gnomAD compares: South Asian, 0.0022%; no homozygotes.

Submission:

Foundation for Research in Genetics and Endocrinology, FRIGE's Institute of Human Genetics
Classification: Likely pathogenic for Infantile GM1 gangliosidosis. Last evaluated: 2019-10-21. Review status: criteria provided, single submitter. Criteria: ACMG Guidelines, 2015. Collection method: clinical testing. Allele origin: germline. Inheritance: Autosomal recessive inheritance. Affected: yes. Observed: 1 homozygote.
Comment: A homozygous missense variation in exon 3 of the GLB1 gene that results in the amino acid substitution of Glutamine for Glutamic acid at codon 129 was detected. The observed variant c.385G>C (p.Glu129Gln) has not been reported in the 1000 genomes and ExAC databases. The in silico prediction of the variant are possibly damaging by PolyPhen-2 (HumDiv) and damaging by SIFT, LRT and MutationTaster2. The reference codon is conserved across species. The observed variant lies in the glycosyl hydrolases family 35 domain of the GLB1 protein and has previously been reported as one of the compound heterozygous variants, in a patient affected with GM1 gangliosidosis (Bidchol et al., 2015). In summary, the variant meets our criteria to be classified as likely pathogenic.